The following is an entry in ClinVar:

ClinVar aggregate classification (germline): Uncertain significance (1 of 4 stars; one submission).

Allele frequency attached by ClinVar (database versions not stated): gnomAD 0.00001 and 0.00002; TOPMed 0.00001; gnomAD exomes 0.00002 and 0.00003; ExAC 0.00008.
gnomAD v4.1: 28 of 1,608,650 alleles (0.0017%); highest among the groups gnomAD compares: African/African-American, 0.0027%; no homozygotes.

Submission:

Labcorp Genetics (formerly Invitae), Labcorp
Classification: Uncertain significance. Last evaluated: 2023-07-07. Review status: criteria provided, single submitter. Criteria: Invitae Variant Classification Sherloc (09022015). Collection method: clinical testing. Allele origin: germline.
Comment: This sequence change replaces arginine, which is basic and polar, with histidine, which is basic and polar, at codon 1891 of the SPEG protein (p.Arg1891His). This variant is present in population databases (rs747794859, gnomAD 0.008%). This variant has not been reported in the literature in individuals affected with SPEG-related conditions. ClinVar contains an entry for this variant (Variation ID: 1511885). An algorithm developed to predict the effect of missense changes on protein structure and function (PolyPhen-2) suggests that this variant is likely to be tolerated. In summary, the available evidence is currently insufficient to determine the role of this variant in disease. Therefore, it has been classified as a Variant of Uncertain Significance.

NM_005876.5(SPEG):c.5672G>A (p.Arg1891His)

Genes: ASIC4-AS1 (ASIC4 antisense RNA 1; minus strand), SPEG (striated muscle enriched protein kinase; plus strand). Cytogenetic location: 2q35.
Variant type: single nucleotide variant.
Coding change: c.5672G>A on transcript NM_005876.5 (MANE Select); coding-DNA position 5672, G replaced by A.
Protein change: p.Arg1891His; replaces arginine 1891 with histidine.
Molecular consequence: missense variant.
Genome position (GRCh38, 1-based): chr2:219,483,135, G>A. VCF-style: chr2-219483135-G-A. GRCh37 (hg19) VCF-style: chr2-220347857-G-A.
Other names: short protein forms R1891H.
Identifiers: ClinVar variation 1511885 (VCV001511885.8), dbSNP rs747794859, ClinGen allele CA2126923.